The following is an entry in ClinVar:

NM_001375808.2(LPIN2):c.*699A>G

Gene: LPIN2 (lipin 2; minus strand). Cytogenetic location: 18p11.31.
Variant type: single nucleotide variant.
Coding change: c.*699A>G on transcript NM_001375808.2 (MANE Select); 699 bases downstream of the stop codon, A replaced by G.
Molecular consequence: 3 prime UTR variant.
Genome position (GRCh38, 1-based): chr18:2,919,594, T>C on the plus strand (A>G on the coding strand, the complement: LPIN2 is on the minus strand). VCF-style: chr18-2919594-T-C. GRCh37 (hg19) VCF-style: chr18-2919592-T-C.
Other names: c.*699A>G (NM_001375809.1, NM_014646.2).
Identifiers: ClinVar variation 888858 (VCV000888858.4), dbSNP rs145046223, ClinGen allele CA295493369.

ClinVar aggregate classification (germline): Benign (1 of 4 stars; one submission).

Conditions:
Majeed syndrome (MJDS). Also called: CHRONIC RECURRENT MULTIFOCAL OSTEOMYELITIS 1, WITH CONGENITAL DYSERYTHROPOIETIC ANEMIA, WITH OR WITHOUT NEUTROPHILIC DERMATOSIS; LPIN2-Related Majeed Syndrome. Identifiers: Orphanet 77297, MedGen C1864997, MONDO:0012316, OMIM 609628.

Allele frequency attached by ClinVar (database versions not stated): gnomAD exomes 0.00059; gnomAD 0.00092 and 0.00129; TOPMed 0.00132; 1000 Genomes Project 30x 0.00547; 1000 Genomes Project 0.00559.
gnomAD v4.1: 200 of 154,038 alleles (0.13%); highest among the groups gnomAD compares: East Asian, 2.5%; 7 homozygotes.

Submission:

Illumina Laboratory Services, Illumina
Classification: Benign for Majeed syndrome. Last evaluated: 2018-01-13. Review status: criteria provided, single submitter. Criteria: ICSL Variant Classification Criteria 13 December 2019. Collection method: clinical testing. Allele origin: germline.
Comment: This variant was observed in the ICSL laboratory as part of a predisposition screen in an ostensibly healthy population. It had not been previously curated by ICSL or reported in the Human Gene Mutation Database (HGMD: prior to June 1st, 2018), and was therefore a candidate for classification through an automated scoring system. Utilizing variant allele frequency, disease prevalence and penetrance estimates, and inheritance mode, an automated score was calculated to assess if this variant is too frequent to cause the disease. Based on the score and internal cut-off values, a variant classified as benign is not then subjected to further curation. The score for this variant resulted in a classification of benign for this disease.